The following is an entry in ClinVar:

ClinVar aggregate classification (germline): Uncertain significance (1 of 4 stars; one submission).

Conditions:
Hereditary cancer-predisposing syndrome. Also called: Hereditary Cancer Syndrome; Hereditary neoplastic syndrome; Tumor predisposition; Neoplastic Syndromes, Hereditary. Identifiers: Orphanet 140162, MedGen C0027672, MeSH D009386, MONDO:0015356.

Submission:

Ambry Genetics
Classification: Uncertain significance for Hereditary cancer-predisposing syndrome. Last evaluated: 2022-07-02. Review status: criteria provided, single submitter. Criteria: Ambry Variant Classification Scheme 2023. Collection method: clinical testing. Allele origin: germline.
Comment: The p.A770S variant (also known as c.2308G>T), located in coding exon 5 of the PALB2 gene, results from a G to T substitution at nucleotide position 2308. The alanine at codon 770 is replaced by serine, an amino acid with similar properties. This amino acid position is conserved. In addition, this alteration is predicted to be tolerated by in silico analysis. Since supporting evidence is limited at this time, the clinical significance of this alteration remains unclear.

NM_024675.4(PALB2):c.2308G>T (p.Ala770Ser)

Gene: PALB2 (partner and localizer of BRCA2; minus strand). Cytogenetic location: 16p12.2.
Variant type: single nucleotide variant.
Coding change: c.2308G>T on transcript NM_024675.4 (MANE Select); coding-DNA position 2308, G replaced by T.
Protein change: p.Ala770Ser; replaces alanine 770 with serine.
Molecular consequence: missense variant.
Genome position (GRCh38, 1-based): chr16:23,629,846, C>A on the plus strand (G>T on the coding strand, the complement: PALB2 is on the minus strand). VCF-style: chr16-23629846-C-A. GRCh37 (hg19) VCF-style: chr16-23641167-C-A.
Other names: c.2248G>T, p.Ala750Ser (NM_001407296.1); c.2308G>T, p.Ala770Ser (NM_001407297.1, NM_001407298.1, NM_001407299.1 and 3 more transcripts); c.1423G>T, p.Ala475Ser (NM_001407304.1, NM_001407305.1, NM_001407306.1 and 5 more transcripts); c.520G>T, p.Ala174Ser (NM_001407312.1, NM_001407313.1); short protein forms A750S, A770S, A174S, A475S.
Identifiers: ClinVar variation 1789391 (VCV001789391.2), dbSNP rs2142375936, ClinGen allele CA395125224.